The following is an entry in ClinVar:

ClinVar aggregate classification (germline): Uncertain significance. Review status: criteria provided, single submitter (1 of 4 stars). 2 submissions from 2 submitters: Uncertain significance (1). 1 of the submissions does not count toward it. Last evaluated 2020-07-10.

Conditions:
Weiss-Kruszka syndrome. Also called: Metopic ridging-ptosis-facial dysmorphism syndrome. Identifiers: Orphanet 502430, MedGen C5568107, MONDO:0032836, OMIM 618619.
ZNF462-related disorder. Also called: ZNF462-related condition; ZNF462 related disease.

Allele frequency attached by ClinVar (database versions not stated): gnomAD exomes 0.00007 and 0.00015; ExAC 0.00012; gnomAD 0.00013; TOPMed 0.00014; ESP Exome Variant Server 0.00023.
gnomAD v4.1: 136 of 1,614,046 alleles (0.0084%); highest among the groups gnomAD compares: Admixed American, 0.005%; no homozygotes.

Submissions (2):

New York Genome Center
Classification: Uncertain significance for Weiss-Kruszka syndrome. Last evaluated: 2020-07-10. Review status: criteria provided, single submitter. Criteria: NYGC Assertion Criteria 2020. Collection method: clinical testing. Allele origin: germline. Observed: 1 heterozygote. Study: CSER-NYCKidSeq.

PreventionGenetics, part of Exact Sciences
Classification: Likely benign for ZNF462-related condition. Last evaluated: 2023-04-09. Review status: no assertion criteria provided. Collection method: clinical testing. Allele origin: germline. Not counted in ClinVar's aggregate classification.
Comment: This variant is classified as likely benign based on ACMG/AMP sequence variant interpretation guidelines (Richards et al. 2015 PMID: 25741868, with internal and published modifications).

NM_021224.6(ZNF462):c.4261G>A (p.Glu1421Lys)

Gene: ZNF462 (zinc finger protein 462; plus strand). Cytogenetic location: 9q31.2.
Variant type: single nucleotide variant.
Coding change: c.4261G>A on transcript NM_021224.6 (MANE Select); coding-DNA position 4261, G replaced by A.
Protein change: p.Glu1421Lys; replaces glutamic acid 1421 with lysine.
Molecular consequence: missense variant. On other transcripts: intron variant (1).
Genome position (GRCh38, 1-based): chr9:106,928,173, G>A. VCF-style: chr9-106928173-G-A. GRCh37 (hg19) VCF-style: chr9-109690454-G-A.
Other names: c.3252+1009G>A (NM_001347997.2); c.4261G>A (NM_021224.5); short protein forms E1421K.
Identifiers: ClinVar variation 1341748 (VCV001341748.3), dbSNP rs146639350, ClinGen allele CA5171797.